The following is an entry in ClinVar:

ClinVar aggregate classification (germline): Conflicting classifications of pathogenicity. Review status: criteria provided, conflicting classifications (1 of 4 stars). 3 submissions from 3 submitters: Likely pathogenic (1); Uncertain significance (1). 1 of the submissions does not count toward it. Last evaluated 2023-01-12.

Conditions:
Spondyloepimetaphyseal dysplasia with joint laxity (SEMDJL). Identifiers: MedGen C0432243, MONDO:0019675.
Ehlers-Danlos syndrome, spondylodysplastic type, 2 (EDSSPD2). Also called: Ehlers-Danlos syndrome, progeroid type, 2. Identifiers: Orphanet 536467, Orphanet 75496, MedGen C3809210, MONDO:0014139, OMIM 615349.
Spondyloepimetaphyseal dysplasia with joint laxity, type 1, with or without fractures (SEMDJL1). Also called: SPONDYLOEPIMETAPHYSEAL DYSPLASIA WITH JOINT LAXITY, TYPE 1. Identifiers: Orphanet 642099, Orphanet 93359, MedGen C4017377, MONDO:0010075, OMIM 271640.

Allele frequency attached by ClinVar (database versions not stated): gnomAD 0.00001 and 0.00003; TOPMed 0.00002; ExAC 0.00004; 1000 Genomes Project 30x 0.00016; 1000 Genomes Project 0.00040.

Submissions (3):

Labcorp Genetics (formerly Invitae), Labcorp
Classification: Likely pathogenic for Ehlers-Danlos syndrome, spondylodysplastic type, 2; Spondyloepimetaphyseal dysplasia with joint laxity. Last evaluated: 2023-01-12. Review status: criteria provided, single submitter. Criteria: Invitae Variant Classification Sherloc (09022015). Collection method: clinical testing. Allele origin: germline.
Comment: Experimental studies have shown that this missense change affects B3GALT6 function (PMID: 23664117, 29443383). In summary, the currently available evidence indicates that the variant is pathogenic, but additional data are needed to prove that conclusively. Therefore, this variant has been classified as Likely Pathogenic. Advanced modeling of protein sequence and biophysical properties (such as structural, functional, and spatial information, amino acid conservation, physicochemical variation, residue mobility, and thermodynamic stability) performed at Invitae indicates that this missense variant is not expected to disrupt B3GALT6 protein function. ClinVar contains an entry for this variant (Variation ID: 60485). This missense change has been observed in individuals with clinical features of spondyloepimetaphyseal dysplasia (PMID: 23664117, 32761602, 33631843, 35726512). The frequency data for this variant in the population databases is considered unreliable, as metrics indicate poor data quality at this position in the gnomAD database. This sequence change replaces arginine, which is basic and polar, with cysteine, which is neutral and slightly polar, at codon 232 of the B3GALT6 protein (p.Arg232Cys).

GeneDx
Classification: Uncertain significance. Last evaluated: 2019-05-23. Review status: criteria provided, single submitter. Criteria: GeneDx Variant Classification Process June 2021. Collection method: clinical testing. Allele origin: germline. Affected: yes.
Comment: In silico analysis, which includes protein predictors and evolutionary conservation, supports that this variant does not alter protein structure/function; This variant is associated with the following publications: (PMID: 25126564, 27871115, 28346368, 29443383, 26582078, 23903953, 23664117, 28306225)

OMIM
Classification: Pathogenic for SPONDYLOEPIMETAPHYSEAL DYSPLASIA WITH JOINT LAXITY, TYPE 1. Last evaluated: 2013-06-06. Review status: no assertion criteria provided. Collection method: literature only. Allele origin: germline. Not counted in ClinVar's aggregate classification.

Literature cited by the submitters: PubMed 23664117 (cited by Labcorp Genetics (formerly Invitae), Labcorp and OMIM); PubMed 29443383 (cited by Labcorp Genetics (formerly Invitae), Labcorp); PubMed 32761602 (cited by Labcorp Genetics (formerly Invitae), Labcorp); PubMed 33631843 (cited by Labcorp Genetics (formerly Invitae), Labcorp); PubMed 35726512 (cited by Labcorp Genetics (formerly Invitae), Labcorp).

NM_080605.4(B3GALT6):c.694C>T (p.Arg232Cys)

Gene: B3GALT6 (beta-1,3-galactosyltransferase 6; plus strand). Cytogenetic location: 1p36.33.
Variant type: single nucleotide variant.
Coding change: c.694C>T on transcript NM_080605.4 (MANE Select); coding-DNA position 694, C replaced by T.
Protein change: p.Arg232Cys; replaces arginine 232 with cysteine.
Molecular consequence: missense variant.
Genome position (GRCh38, 1-based): chr1:1,232,972, C>T. VCF-style: chr1-1232972-C-T. GRCh37 (hg19) VCF-style: chr1-1168352-C-T.
Other names: B3GALT6, ARG232CYS; short protein forms R232C.
Identifiers: ClinVar variation 60485 (VCV000060485.6), dbSNP rs397514717, ClinGen allele CA144523.